The following is an entry in ClinVar:

NM_000264.5(PTCH1):c.2562A>G (p.Gly854=)

Gene: PTCH1 (patched 1; minus strand). Cytogenetic location: 9q22.32.
Variant type: single nucleotide variant.
Coding change: c.2562A>G on transcript NM_000264.5 (MANE Select); coding-DNA position 2562, A replaced by G.
Protein change: p.Gly854=; no amino-acid change (glycine 854 retained).
Molecular consequence: synonymous variant. On other transcripts: non-coding transcript variant (1).
Genome position (GRCh38, 1-based): chr9:95,461,997, T>C on the plus strand (A>G on the coding strand, the complement: PTCH1 is on the minus strand). VCF-style: chr9-95461997-T-C. GRCh37 (hg19) VCF-style: chr9-98224279-T-C.
Other names: c.2364A>G, p.Gly788= (NM_001083602.3); c.2559A>G, p.Gly853= (NM_001083603.3); c.2109A>G, p.Gly703= (NM_001083604.3, NM_001083605.3, NM_001083606.3 and 1 more transcripts); c.2406A>G, p.Gly802= (NM_001354918.2).
Identifiers: ClinVar variation 486207 (VCV000486207.21), dbSNP rs751613059, ClinGen allele CA5138366.

ClinVar aggregate classification (germline): Conflicting classifications of pathogenicity. Review status: criteria provided, conflicting classifications (1 of 4 stars). 4 submissions from 4 submitters: Uncertain significance (1); Likely benign (3). Last evaluated 2026-01-24.

Conditions:
Hereditary cancer-predisposing syndrome. Also called: Neoplastic Syndromes, Hereditary; Hereditary Cancer Syndrome; Tumor predisposition; Hereditary neoplastic syndrome. Identifiers: Orphanet 140162, MedGen C0027672, MeSH D009386, MONDO:0015356.
Gorlin syndrome. Also called: Nevoid Basal Cell Carcinoma Syndrome; Basal cell nevus syndrome. Identifiers: Orphanet 377, MedGen C0004779, MONDO:0007187.
PTCH1-related disorder. Also called: PTCH1-related disorders; PTCH1-related condition.

Allele frequency attached by ClinVar (database versions not stated): gnomAD below 0.00001 and 0.00002; gnomAD exomes 0.00002 and 0.00004; ExAC 0.00004.
gnomAD v4.1: 38 of 1,614,042 alleles (0.0024%); highest among the groups gnomAD compares: South Asian, 0.036%; 1 homozygote.

Submissions (4):

Labcorp Genetics (formerly Invitae), Labcorp
Classification: Likely benign for Gorlin syndrome. Last evaluated: 2026-01-24. Review status: criteria provided, single submitter. Criteria: Invitae Variant Classification Sherloc (09022015). Collection method: clinical testing. Allele origin: germline.

PreventionGenetics, part of Exact Sciences
Classification: Likely benign for PTCH1-related condition. Last evaluated: 2024-10-17. Review status: criteria provided, single submitter. Criteria: ACMG Guidelines, 2015. Collection method: clinical testing. Allele origin: germline.
Comment: This variant is classified as likely benign based on ACMG/AMP sequence variant interpretation guidelines (Richards et al. 2015 PMID: 25741868, with internal and published modifications).

Institute for Clinical Genetics, University Hospital TU Dresden, University Hospital TU Dresden
Classification: Uncertain significance. Last evaluated: 2021-11-03. Review status: criteria provided, single submitter. Criteria: ACMG Guidelines, 2015. Collection method: clinical testing. Allele origin: germline.

Ambry Genetics
Classification: Likely benign for Hereditary cancer-predisposing syndrome. Last evaluated: 2017-04-18. Review status: criteria provided, single submitter. Criteria: Ambry Variant Classification Scheme 2023. Collection method: clinical testing. Allele origin: germline.